The following is an entry in ClinVar:

ClinVar aggregate classification (germline): Benign/Likely benign. Review status: criteria provided, multiple submitters, no conflicts (2 of 4 stars). 3 submissions from 3 submitters: Benign (1); Likely benign (2). Last evaluated 2025-09-18.

Conditions:
RYR3-related disorder. Also called: RYR3-related condition.
Epileptic encephalopathy. Identifiers: MedGen C0543888, HP:0200134.

Allele frequency attached by ClinVar (database versions not stated): TOPMed 0.00014; ESP Exome Variant Server 0.00016; gnomAD exomes 0.00048; ExAC 0.00055; 1000 Genomes Project 0.00060; 1000 Genomes Project 30x 0.00062.
gnomAD v4.1: 387 of 1,612,018 alleles (0.024%); highest among the groups gnomAD compares: South Asian, 0.34%; no homozygotes.

Submissions (3):

PreventionGenetics, part of Exact Sciences
Classification: Likely benign for RYR3-related condition. Last evaluated: 2025-09-18. Review status: criteria provided, single submitter. Criteria: ACMG Guidelines, 2015. Collection method: clinical testing. Allele origin: germline.
Comment: This variant is classified as likely benign based on ACMG/AMP sequence variant interpretation guidelines (Richards et al. 2015 PMID: 25741868, with internal and published modifications).

CeGaT Center for Human Genetics Tuebingen
Classification: Likely benign. Last evaluated: 2022-11-01. Review status: criteria provided, single submitter. Criteria: CeGaT Center For Human Genetics Tuebingen Variant Classification Criteria Version 2. Collection method: clinical testing. Allele origin: germline. Affected: yes. Observed: 1 variant allele.
Comment: RYR3: BP4, BP7

Labcorp Genetics (formerly Invitae), Labcorp
Classification: Benign for Epileptic encephalopathy. Last evaluated: 2020-03-31. Review status: criteria provided, single submitter. Criteria: Invitae Variant Classification Sherloc (09022015). Collection method: clinical testing. Allele origin: germline.

NM_001036.6(RYR3):c.621G>A (p.Thr207=)

Gene: RYR3 (ryanodine receptor 3; plus strand). Cytogenetic location: 15q14.
Variant type: single nucleotide variant.
Coding change: c.621G>A on transcript NM_001036.6 (MANE Select); coding-DNA position 621, G replaced by A.
Protein change: p.Thr207=; no amino-acid change (threonine 207 retained).
Molecular consequence: synonymous variant.
Genome position (GRCh38, 1-based): chr15:33,540,865, G>A. VCF-style: chr15-33540865-G-A. GRCh37 (hg19) VCF-style: chr15-33833066-G-A.
Other names: c.621G>A, p.Thr207= (NM_001243996.4); c.621G>A (NM_001036.4).
Identifiers: ClinVar variation 1165950 (VCV001165950.33), dbSNP rs370200639, ClinGen allele CA7457867.